The following is an entry in ClinVar:

ClinVar aggregate classification (germline): Conflicting classifications of pathogenicity. Review status: criteria provided, conflicting classifications (1 of 4 stars). 2 submissions from 2 submitters: Uncertain significance (1); Benign (1). Last evaluated 2024-07-30.

Conditions:
Hereditary cancer-predisposing syndrome. Also called: Tumor predisposition; Neoplastic Syndromes, Hereditary; Hereditary Cancer Syndrome; Hereditary neoplastic syndrome. Identifiers: Orphanet 140162, MedGen C0027672, MeSH D009386, MONDO:0015356.
Tuberous sclerosis 2 (TSC2). Identifiers: Orphanet 805, MedGen C1860707, MONDO:0013199, OMIM 613254.

Allele frequency attached by ClinVar (database versions not stated): gnomAD exomes below 0.00001.

Submissions (2):

Labcorp Genetics (formerly Invitae), Labcorp
Classification: Benign for Tuberous sclerosis 2. Last evaluated: 2024-07-30. Review status: criteria provided, single submitter. Criteria: Invitae Variant Classification Sherloc (09022015). Collection method: clinical testing. Allele origin: germline.

Ambry Genetics
Classification: Uncertain significance for Hereditary cancer-predisposing syndrome. Last evaluated: 2024-05-24. Review status: criteria provided, single submitter. Criteria: Ambry Variant Classification Scheme 2023. Collection method: clinical testing. Allele origin: germline.
Comment: The p.M1625L variant (also known as c.4873A>T), located in coding exon 37 of the TSC2 gene, results from an A to T substitution at nucleotide position 4873. The methionine at codon 1625 is replaced by leucine, an amino acid with highly similar properties. This amino acid position is conserved. In addition, this alteration is predicted to be deleterious by in silico analysis. Based on the available evidence, the clinical significance of this variant remains unclear.

NM_000548.5(TSC2):c.4873A>T (p.Met1625Leu)

Gene: TSC2 (TSC complex subunit 2; plus strand). Cytogenetic location: 16p13.3.
Variant type: single nucleotide variant.
Coding change: c.4873A>T on transcript NM_000548.5 (MANE Select); coding-DNA position 4873, A replaced by T.
Protein change: p.Met1625Leu; replaces methionine 1625 with leucine.
Molecular consequence: missense variant.
Genome position (GRCh38, 1-based): chr16:2,086,755, A>T. VCF-style: chr16-2086755-A-T. GRCh37 (hg19) VCF-style: chr16-2136756-A-T.
Other names: c.4672A>T, p.Met1558Leu (NM_001077183.3); c.4804A>T, p.Met1602Leu (NM_001114382.3); c.4564A>T, p.Met1522Leu (NM_001318827.2); c.4528A>T, p.Met1510Leu (NM_001318829.2); c.4141A>T, p.Met1381Leu (NM_001318831.2); c.4705A>T, p.Met1569Leu (NM_001318832.2); c.4744A>T, p.Met1582Leu (NM_001370405.1, NM_021055.3); c.4675A>T, p.Met1559Leu (NM_001363528.2); and 2 more; short protein forms M1381L, M1510L, M1522L, M1558L, M1559L, M1569L, M1581L, M1582L.
Identifiers: ClinVar variation 1061230 (VCV001061230.10), dbSNP rs774386413, ClinGen allele CA053013.
Genomic context (GRCh38, chr16:2,086,755, plus strand): 5'-TGGCCCCACAAACCCATCCGGCCCTGCTCACCCTCAGCCGTCTTCCACATCGCCACCCTG[A>T]TGCCCACCAAGGACGTGGACAAGCACCGCTGCGACAAGAAGCGCCACCTGGGCAACGACT-3'
Protein context (NP_000539.2, residues 1615-1635): MQAVFHIATL[Met1625Leu]PTKDVDKHRC